The following is an entry in ClinVar:

ClinVar aggregate classification (germline): Pathogenic/Likely pathogenic. Review status: criteria provided, multiple submitters, no conflicts (2 of 4 stars). 2 submissions from 2 submitters: Pathogenic (1); Likely pathogenic (1). Last evaluated 2025-12-02.

Conditions:
Hereditary cancer-predisposing syndrome. Also called: Neoplastic Syndromes, Hereditary; Tumor predisposition; Hereditary Cancer Syndrome; Hereditary neoplastic syndrome. Identifiers: Orphanet 140162, MedGen C0027672, MeSH D009386, MONDO:0015356.
Pheochromocytoma/paraganglioma syndrome 3. Also called: GLOMUS TUMORS, FAMILIAL, 3; Paragangliomas 3; SDHC-Related Hereditary Paraganglioma-Pheochromocytoma Syndrome (Paragangliomas 3); SDHC-Related Hereditary Paraganglioma-Pheochromocytoma Syndrome. Identifiers: Orphanet 29072, MedGen C1854336, MONDO:0011544, OMIM 605373.

Submissions (2):

Ambry Genetics
Classification: Pathogenic for Hereditary cancer-predisposing syndrome. Last evaluated: 2025-12-02. Review status: criteria provided, single submitter. Criteria: Ambry Variant Classification Scheme 2023. Collection method: clinical testing. Allele origin: germline.
Comment: The c.77+1G>C intronic pathogenic mutation results from a G to C substitution one nucleotide after coding exon 2 of the SDHC gene. Alterations that disrupt the canonical splice site are expected to result in aberrant splicing. This variant has been observed in individuals with a personal and/or family history that is consistent with SDHC-related paraganglioma-pheochromocytoma syndrome (Ambry internal data). This variant is considered to be rare based on population cohorts in the Genome Aggregation Database (gnomAD). This nucleotide position is highly conserved in available vertebrate species. In silico splice site analysis predicts that this alteration will weaken the native splice donor site. The resulting transcript is predicted to be in-frame and is not expected to trigger nonsense-mediated mRNAdecay. The exact functional effect of the altered amino acid sequence is unknown; however, the impacted region is critical for protein function, and a significant portion of the protein is affected (Ambry internal data). RNA studies have demonstrated that this alteration results in abnormal splicing in the set of samples tested (Ambry internal data). Based on the supporting evidence, this alteration is interpreted as a disease-causing mutation.

Myriad Genetics, Inc.
Classification: Likely pathogenic for Pheochromocytoma/paraganglioma syndrome 3. Last evaluated: 2023-01-10. Review status: criteria provided, single submitter. Criteria: Myriad Autosomal Dominant, Autosomal Recessive and X-Linked Classification Criteria (2023). Collection method: clinical testing. Allele origin: unknown.
Comment: This variant is considered likely pathogenic. This variant occurs within a consensus splice junction and is predicted to result in abnormal mRNA splicing of either an out-of-frame exon or an in-frame exon necessary for protein stability and/or normal function.

NM_003001.5(SDHC):c.77+1G>C

Gene: SDHC (succinate dehydrogenase complex subunit C; plus strand). Cytogenetic location: 1q23.3.
Variant type: single nucleotide variant.
Coding change: c.77+1G>C on transcript NM_003001.5 (MANE Select); the canonical splice donor site of the intron after coding-DNA position 77, G replaced by C.
Molecular consequence: splice donor variant. On other transcripts: intron variant (4).
Genome position (GRCh38, 1-based): chr1:161,323,671, G>C. VCF-style: chr1-161323671-G-C. GRCh37 (hg19) VCF-style: chr1-161293461-G-C.
Other names: c.77+1G>C (NM_001035511.3, NM_001035512.3, NM_001278172.3 and 3 more transcripts); c.21-4725G>C (NM_001407116.1, NM_001407121.1, NM_001407117.1); c.20+9246G>C (NM_001035513.3); c.-35+1G>C (NM_001407119.1); c.-153+1G>C (NM_001407120.1).
Identifiers: ClinVar variation 2442320 (VCV002442320.4), dbSNP rs1558164647, ClinGen allele CA343359661.